The following is an entry in ClinVar:

NM_000494.4(COL17A1):c.1399T>A (p.Trp467Arg)

Gene: COL17A1 (collagen type XVII alpha 1 chain; minus strand). Cytogenetic location: 10q25.1.
Variant type: single nucleotide variant.
Coding change: c.1399T>A on transcript NM_000494.4 (MANE Select); coding-DNA position 1399, T replaced by A.
Protein change: p.Trp467Arg; replaces tryptophan 467 with arginine.
Molecular consequence: missense variant.
Genome position (GRCh38, 1-based): chr10:104,057,041, A>T on the plus strand (T>A on the coding strand, the complement: COL17A1 is on the minus strand). VCF-style: chr10-104057041-A-T. GRCh37 (hg19) VCF-style: chr10-105816799-A-T.
Other names: short protein forms W467R.
Identifiers: ClinVar variation 2821310 (VCV002821310.3), dbSNP rs2493344539, ClinGen allele CA378072928.
Genomic context (GRCh38, chr10:104,057,041, plus strand): 5'-CAATGAGGCCGAAGAGCAGCCCCAGGAGTAGCAGCCAGGTGAGCAGCAGGCCCAGCAGCC[A>T]CTTCCACCAGCTGCAGCAGGAGCCGCAGGGGCACCAGGCTGGCGCTGGTCCCCAAGGGCC-3'
Protein context (NP_000485.3, residues 457-477): PCGSCCSWWK[Trp467Arg]LLGLLLTWLL

ClinVar aggregate classification (germline): Uncertain significance (1 of 4 stars; one submission).

gnomAD v4.1: 1 of 1,604,964 alleles (0.000062%); highest among the groups gnomAD compares: Non-Finnish European, 0.000085%; no homozygotes.

Submission:

Labcorp Genetics (formerly Invitae), Labcorp
Classification: Uncertain significance. Last evaluated: 2023-08-04. Review status: criteria provided, single submitter. Criteria: Invitae Variant Classification Sherloc (09022015). Collection method: clinical testing. Allele origin: germline.
Comment: In summary, the available evidence is currently insufficient to determine the role of this variant in disease. Therefore, it has been classified as a Variant of Uncertain Significance. Advanced modeling of protein sequence and biophysical properties (such as structural, functional, and spatial information, amino acid conservation, physicochemical variation, residue mobility, and thermodynamic stability) performed at Invitae indicates that this missense variant is expected to disrupt COL17A1 protein function. This variant has not been reported in the literature in individuals affected with COL17A1-related conditions. This variant is not present in population databases (gnomAD no frequency). This sequence change replaces tryptophan, which is neutral and slightly polar, with arginine, which is basic and polar, at codon 467 of the COL17A1 protein (p.Trp467Arg).